The following is an entry in ClinVar:

NM_015100.4(POGZ):c.3671G>A (p.Gly1224Asp)

Gene: POGZ (pogo transposable element derived with ZNF domain; minus strand). Cytogenetic location: 1q21.3.
Variant type: single nucleotide variant.
Coding change: c.3671G>A on transcript NM_015100.4 (MANE Select); coding-DNA position 3671, G replaced by A.
Protein change: p.Gly1224Asp; replaces glycine 1224 with aspartic acid.
Molecular consequence: missense variant.
Genome position (GRCh38, 1-based): chr1:151,405,364, C>T on the plus strand (G>A on the coding strand, the complement: POGZ is on the minus strand). VCF-style: chr1-151405364-C-T. GRCh37 (hg19) VCF-style: chr1-151377840-C-T.
Other names: c.3644G>A, p.Gly1215Asp (NM_001194937.2); c.3485G>A, p.Gly1162Asp (NM_001194938.2); c.3692G>A, p.Gly1231Asp (NM_001410860.1); c.3386G>A, p.Gly1129Asp (NM_145796.4); c.3512G>A, p.Gly1171Asp (NM_207171.2); short protein forms G1129D, G1162D, G1171D, G1215D, G1224D, G1231D.
Identifiers: ClinVar variation 1800485 (VCV001800485.1), dbSNP rs2529198140, ClinGen allele CA341940676.

ClinVar aggregate classification (germline): Uncertain significance (1 of 4 stars; one submission).

Submission:

GeneDx
Classification: Uncertain significance. Last evaluated: 2022-05-16. Review status: criteria provided, single submitter. Criteria: GeneDx Variant Classification Process June 2021. Collection method: clinical testing. Allele origin: germline. Affected: yes.
Comment: Not observed at significant frequency in large population cohorts (gnomAD); In silico analysis supports that this missense variant does not alter protein structure/function; Has not been previously published as pathogenic or benign to our knowledge.